The following is an entry in ClinVar:

NM_000179.3(MSH6):c.783T>A (p.Ser261=)

Gene: MSH6 (mutS homolog 6; plus strand). Cytogenetic location: 2p16.3.
Variant type: single nucleotide variant.
Coding change: c.783T>A on transcript NM_000179.3 (MANE Select); coding-DNA position 783, T replaced by A.
Protein change: p.Ser261=; no amino-acid change (serine 261 retained).
Molecular consequence: synonymous variant. On other transcripts: 5 prime UTR variant (9), non-coding transcript variant (4), intron variant (1).
Genome position (GRCh38, 1-based): chr2:47,798,766, T>A. VCF-style: chr2-47798766-T-A. GRCh37 (hg19) VCF-style: chr2-48025905-T-A.
Other names: c.393T>A, p.Ser131= (NM_001281492.2); c.-124T>A (NM_001281493.2, NM_001281494.2, NM_001406811.1 and 6 more transcripts); c.879T>A, p.Ser293= (NM_001406795.1, NM_001406802.1); c.783T>A, p.Ser261= (NM_001406796.1, NM_001406798.1, NM_001406800.1 and 4 more transcripts); c.486T>A, p.Ser162= (NM_001406797.1, NM_001406801.1, NM_001406805.1 and 10 more transcripts); c.258T>A, p.Ser86= (NM_001406799.1, NM_001406806.1, NM_001406807.1); c.705T>A, p.Ser235= (NM_001406804.1); c.789T>A, p.Ser263= (NM_001406813.1); and 2 more.
Identifiers: ClinVar variation 3904077 (VCV003904077.2).

ClinVar aggregate classification (germline): Benign/Likely benign. Review status: criteria provided, multiple submitters, no conflicts (2 of 4 stars). 2 submissions from 2 submitters: Benign (1); Likely benign (1). Last evaluated 2025-08-13.

Conditions:
Hereditary nonpolyposis colorectal neoplasms. Identifiers: MedGen C0009405, MeSH D003123.
Lynch syndrome 5 (LYNCH5). Also called: Colorectal cancer, hereditary nonpolyposis, type 5; Hereditary non-polyposis colorectal cancer, type 5. Identifiers: Orphanet 144, MedGen C1833477, MONDO:0013710, OMIM 614350. Disease mechanism: loss of function.

Submissions (2):

Labcorp Genetics (formerly Invitae), Labcorp
Classification: Likely benign for Hereditary nonpolyposis colorectal neoplasms. Last evaluated: 2025-08-13. Review status: criteria provided, single submitter. Criteria: Invitae Variant Classification Sherloc (09022015). Collection method: clinical testing. Allele origin: germline.

Myriad Genetics, Inc.
Classification: Benign for Lynch syndrome 5. Last evaluated: 2024-12-20. Review status: criteria provided, single submitter. Criteria: Myriad Autosomal Dominant, Autosomal Recessive and X-Linked Classification Criteria (2023). Collection method: clinical testing. Allele origin: unknown.
Comment: This variant is considered benign. This variant is a silent/synonymous amino acid change and it is not expected to impact splicing.